The following is an entry in ClinVar:

ClinVar aggregate classification (germline): Uncertain significance (1 of 4 stars; one submission).

Allele frequency attached by ClinVar (database versions not stated): gnomAD exomes below 0.00001; ExAC 0.00002; TOPMed 0.00002; gnomAD 0.00005; ESP Exome Variant Server 0.00008.
gnomAD v4.1: 11 of 1,614,054 alleles (0.00068%); highest among the groups gnomAD compares: African/African-American, 0.013%; no homozygotes.

Submission:

GeneDx
Classification: Uncertain significance. Last evaluated: 2023-06-26. Review status: criteria provided, single submitter. Criteria: GeneDx Variant Classification Process June 2021. Collection method: clinical testing. Allele origin: germline.
Comment: In silico analysis supports that this missense variant does not alter protein structure/function; Has not been previously published as pathogenic or benign to our knowledge

NM_016239.4(MYO15A):c.8998C>T (p.His3000Tyr)

Gene: MYO15A (myosin XVA; plus strand). Cytogenetic location: 17p11.2.
Variant type: single nucleotide variant.
Coding change: c.8998C>T on transcript NM_016239.4 (MANE Select); coding-DNA position 8998, C replaced by T.
Protein change: p.His3000Tyr; replaces histidine 3000 with tyrosine.
Molecular consequence: missense variant.
Genome position (GRCh38, 1-based): chr17:18,158,553, C>T. VCF-style: chr17-18158553-C-T. GRCh37 (hg19) VCF-style: chr17-18061867-C-T.
Other names: short protein forms H3000Y.
Identifiers: ClinVar variation 2500410 (VCV002500410.2), dbSNP rs377215318, ClinGen allele CA8425343.
Genomic context (GRCh38, chr17:18,158,553, plus strand): 5'-TGGGCCTTCCTAGCTCCGCCTCTTCTGCAGGGTCCCCCAGTCAGGGCCCGCTCTGCTGAC[C>T]ATGGGGAGGACGCCCTGGCGCTCCCACCCTACACAATGCTCGAGTTTGCCCAGAAGTATT-3'
Protein context (NP_057323.3, residues 2990-3010): GPPVRARSAD[His3000Tyr]GEDALALPPY